The following is an entry in ClinVar:

NM_001142800.2(EYS):c.8648_8649del (p.Thr2883fs)

Genes: EYS (EGF-like photoreceptor maintenance factor; minus strand), PHF3 (PHD finger protein 3; plus strand). Cytogenetic location: 6q12.
Variant type: Microsatellite.
Coding change: c.8648_8649del on transcript NM_001142800.2 (MANE Select); coding-DNA positions 8648 to 8649, 2 bases deleted (CA; older notation c.8648_8649delCA).
Protein change: p.Thr2883fs; shifts the reading frame from threonine 2883.
Molecular consequence: frameshift variant. On other transcripts: 3 prime UTR variant (5).
Genome position (GRCh38, 1-based): chr6:63,721,382-63,721,383, TG deleted on the plus strand (CA on the coding strand, the reverse complement: EYS is on the minus strand); deleting any 2 consecutive bases within chr6:63,721,382-63,721,386 gives the same sequence; the c. name uses the placement nearest the transcript's 3' end. VCF-style (leftmost placement, unchanged base first): chr6-63721381-ATG-A. GRCh37 (hg19) VCF-style: chr6-64431277-ATG-A.
Other names: c.*7675GT[1] (NM_001290259.2, NM_001370348.2, NM_001370349.2 and 2 more transcripts); c.8711_8712del, p.Thr2904fs (NM_001292009.2); short protein forms T2883fs, T2904fs.
Identifiers: ClinVar variation 986904 (VCV000986904.9), dbSNP rs1768382090, ClinGen allele CA1633381832.

ClinVar aggregate classification (germline): Pathogenic. Review status: criteria provided, multiple submitters, no conflicts (2 of 4 stars). 2 submissions from 2 submitters: Pathogenic (2). Last evaluated 2021-05-03.

Submissions (2):

Labcorp Genetics (formerly Invitae), Labcorp
Classification: Pathogenic. Last evaluated: 2021-05-03. Review status: criteria provided, single submitter. Criteria: Invitae Variant Classification Sherloc (09022015). Collection method: clinical testing. Allele origin: germline.
Comment: This sequence change creates a premature translational stop signal (p.Thr2883Metfs*6) in the EYS gene. While this is not anticipated to result in nonsense mediated decay, it is expected to disrupt the last 262 amino acid(s) of the EYS protein. This variant is not present in population databases (ExAC no frequency). This variant has not been reported in the literature in individuals with EYS-related conditions. This variant disrupts the C-terminus of the EYS protein. Other variant(s) that disrupt this region (p.Tyr3135*) have been determined to be pathogenic (PMID: 18976725, 31074760, 29159838, 30337596). This suggests that variants that disrupt this region of the protein are likely to be causative of disease. For these reasons, this variant has been classified as Pathogenic.

Institute of Medical Genetics and Applied Genomics, University Hospital Tübingen
Classification: Pathogenic. Last evaluated: 2020-10-23. Review status: criteria provided, single submitter. Criteria: ACMG Guidelines, 2015. Collection method: clinical testing. Allele origin: germline. Inheritance: Autosomal recessive inheritance. Affected: yes.

Literature cited by the submitters: PubMed 18976725 (cited by Labcorp Genetics (formerly Invitae), Labcorp); PubMed 31074760 (cited by Labcorp Genetics (formerly Invitae), Labcorp); PubMed 29159838 (cited by Labcorp Genetics (formerly Invitae), Labcorp); PubMed 30337596 (cited by Labcorp Genetics (formerly Invitae), Labcorp).